The following is an entry in ClinVar:

NM_000126.4(ETFA):c.682G>A (p.Gly228Arg)

Gene: ETFA (electron transfer flavoprotein subunit alpha; minus strand). Cytogenetic location: 15q24.2.
Variant type: single nucleotide variant.
Coding change: c.682G>A on transcript NM_000126.4 (MANE Select); coding-DNA position 682, G replaced by A.
Protein change: p.Gly228Arg; replaces glycine 228 with arginine.
Molecular consequence: missense variant.
Genome position (GRCh38, 1-based): chr15:76,283,808, C>T on the plus strand (G>A on the coding strand, the complement: ETFA is on the minus strand). VCF-style: chr15-76283808-C-T. GRCh37 (hg19) VCF-style: chr15-76576149-C-T.
Other names: c.535G>A, p.Gly179Arg (NM_001127716.2); short protein forms G228R, G179R.
Identifiers: ClinVar variation 1508931 (VCV001508931.3), dbSNP rs1390694827, ClinGen allele CA393512681.

ClinVar aggregate classification (germline): Uncertain significance (1 of 4 stars; one submission).

Conditions:
Multiple acyl-CoA dehydrogenase deficiency (MADD). Also called: ETHYLMALONIC-ADIPICACIDURIA; GA II; Glutaric acidemia type II; GA 2; Glutaric Acidemia type 2; Glutaric aciduria, type 2. Identifiers: Orphanet 26791, MedGen C0268596, MONDO:0009282, OMIM 231680.

Allele frequency attached by ClinVar (database versions not stated): gnomAD exomes below 0.00001; TOPMed below 0.00001.

Submission:

Labcorp Genetics (formerly Invitae), Labcorp
Classification: Uncertain significance for Multiple acyl-CoA dehydrogenase deficiency. Last evaluated: 2022-02-12. Review status: criteria provided, single submitter. Criteria: Invitae Variant Classification Sherloc (09022015). Collection method: clinical testing. Allele origin: germline.
Comment: This sequence change replaces glycine, which is neutral and non-polar, with arginine, which is basic and polar, at codon 228 of the ETFA protein (p.Gly228Arg). This variant is not present in population databases (gnomAD no frequency). This variant has not been reported in the literature in individuals affected with ETFA-related conditions. Algorithms developed to predict the effect of missense changes on protein structure and function (SIFT, PolyPhen-2, Align-GVGD) all suggest that this variant is likely to be tolerated. In summary, the available evidence is currently insufficient to determine the role of this variant in disease. Therefore, it has been classified as a Variant of Uncertain Significance.